The following is an entry in ClinVar:

NM_007294.4(BRCA1):c.2555T>C (p.Leu852Pro)

Gene: BRCA1 (BRCA1 DNA repair associated; minus strand). Cytogenetic location: 17q21.31.
Variant type: single nucleotide variant.
Coding change: c.2555T>C on transcript NM_007294.4 (MANE Select); coding-DNA position 2555, T replaced by C.
Protein change: p.Leu852Pro; replaces leucine 852 with proline.
Molecular consequence: missense variant. On other transcripts: intron variant (137).
Genome position (GRCh38, 1-based): chr17:43,092,976, A>G on the plus strand (T>C on the coding strand, the complement: BRCA1 is on the minus strand). VCF-style: chr17-43092976-A-G. GRCh37 (hg19) VCF-style: chr17-41244993-A-G.
Other names: c.2432T>C, p.Leu811Pro (NM_001407678.1, NM_001407682.1, NM_001407683.1 and 19 more transcripts); c.2555T>C, p.Leu852Pro (NM_001407616.1, NM_001407617.1, NM_001407618.1 and 30 more transcripts); c.577+1768T>C (NM_001408482.1, NM_001408478.1, NM_001408484.1 and 9 more transcripts); c.643+1768T>C (NM_001408463.1, NM_001408470.1, NM_001408464.1 and 3 more transcripts); c.523+1768T>C (NM_001408499.1, NM_001408498.1, NM_001408501.1 and 3 more transcripts); c.671-1944T>C (NM_001408422.1, NM_001408423.1, NM_001408420.1 and 2 more transcripts); c.706+1768T>C (NM_001408416.1, NM_001408413.1); c.520+1768T>C (NM_001408504.1, NM_001408503.1, NM_001408505.1); and 41 more; short protein forms L852P, L805P, L556P, L781P, L784P, L785P, L724P, L764P.
Identifiers: ClinVar variation 462591 (VCV000462591.20), dbSNP rs1555589415, ClinGen allele CA10596881.

ClinVar aggregate classification (germline): Conflicting classifications of pathogenicity. Review status: criteria provided, conflicting classifications (1 of 4 stars). 4 submissions from 4 submitters: Uncertain significance (3); Likely benign (1). Last evaluated 2025-01-30.

Conditions:
Hereditary breast ovarian cancer syndrome. Also called: Hereditary breast and ovarian cancer syndrome (HBOC); Hereditary breast and ovarian cancer syndrome; Breast and ovarian cancer; Hereditary breast and/or ovarian cancer syndrome; Hereditary breast and ovarian cancer; BRCA1- and BRCA2-Associated Hereditary Breast and Ovarian Cancer. Identifiers: Orphanet 145, MedGen C0677776, MeSH D061325, MONDO:0003582. Disease mechanism: loss of function.
Hereditary cancer-predisposing syndrome. Also called: Neoplastic Syndromes, Hereditary; Hereditary Cancer Syndrome; Hereditary neoplastic syndrome; Tumor predisposition. Identifiers: Orphanet 140162, MedGen C0027672, MeSH D009386, MONDO:0015356.

Allele frequency attached by ClinVar (database versions not stated): gnomAD 0.00001.
gnomAD v4.1: 3 of 1,613,308 alleles (0.00019%); highest among the groups gnomAD compares: Admixed American, 0.0033%; no homozygotes.

Submissions (4):

Labcorp Genetics (formerly Invitae), Labcorp
Classification: Uncertain significance for Hereditary breast ovarian cancer syndrome. Last evaluated: 2025-01-30. Review status: criteria provided, single submitter. Criteria: Invitae Variant Classification Sherloc (09022015). Collection method: clinical testing. Allele origin: germline.
Comment: This sequence change replaces leucine, which is neutral and non-polar, with proline, which is neutral and non-polar, at codon 852 of the BRCA1 protein (p.Leu852Pro). This variant is not present in population databases (gnomAD no frequency). This variant has not been reported in the literature in individuals affected with BRCA1-related conditions. ClinVar contains an entry for this variant (Variation ID: 462591). Invitae Evidence Modeling of protein sequence and biophysical properties (such as structural, functional, and spatial information, amino acid conservation, physicochemical variation, residue mobility, and thermodynamic stability) indicates that this missense variant is expected to disrupt BRCA1 protein function with a positive predictive value of 80%. In summary, the available evidence is currently insufficient to determine the role of this variant in disease. Therefore, it has been classified as a Variant of Uncertain Significance.

Ambry Genetics
Classification: Uncertain significance for Hereditary cancer-predisposing syndrome. Last evaluated: 2024-04-25. Review status: criteria provided, single submitter. Criteria: Ambry Variant Classification Scheme 2023. Collection method: clinical testing. Allele origin: germline.
Comment: The p.L852P variant (also known as c.2555T>C), located in coding exon 9 of the BRCA1 gene, results from a T to C substitution at nucleotide position 2555. The leucine at codon 852 is replaced by proline, an amino acid with similar properties. This amino acid position is well conserved in available vertebrate species. In addition, this alteration is predicted to be deleterious by in silico analysis. Since supporting evidence is limited at this time, the clinical significance of this alteration remains unclear.

University of Washington Department of Laboratory Medicine, University of Washington
Classification: Likely benign for Hereditary cancer-predisposing syndrome. Last evaluated: 2023-03-23. Review status: criteria provided, single submitter. Criteria: Dines et al. (Genet Med. 2020). Collection method: curation. Allele origin: germline.
Comment: Missense variant in a coldspot region where missense variants are very unlikely to be pathogenic (PMID:31911673).

BRCA1 coldspot (exon 11 using historical exon numbering). Reclassification based on statistical prior probability

Color Diagnostics, LLC DBA Color Health
Classification: Uncertain significance for Hereditary cancer-predisposing syndrome. Last evaluated: 2019-07-23. Review status: criteria provided, single submitter. Criteria: ACMG Guidelines, 2015. Collection method: clinical testing. Allele origin: germline.
Comment: This missense variant replaces leucine with proline at codon 852 of the BRCA1 protein. Computational prediction tools and conservation analyses suggest that this variant may have deleterious impact on the protein function. Computational splicing tools suggest that this variant may not impact RNA splicing. To our knowledge, functional assays have not been performed for this variant nor has this variant been reported in individuals affected with hereditary cancer in the literature. This variant has not been identified in the general population by the Genome Aggregation Database (gnomAD). Available evidence is insufficient to determine the role of this variant in disease conclusively. Therefore, this variant is classified as a Variant of Uncertain Significance.